The following is an entry in ClinVar:

NM_001387777.1(TNS1):c.873G>A (p.Val291=)

Gene: TNS1 (tensin 1; minus strand). Cytogenetic location: 2q35.
Variant type: single nucleotide variant.
Coding change: c.873G>A on transcript NM_001387777.1 (MANE Select); coding-DNA position 873, G replaced by A.
Protein change: p.Val291=; no amino-acid change (valine 291 retained).
Molecular consequence: synonymous variant.
Genome position (GRCh38, 1-based): chr2:217,886,640, C>T on the plus strand (G>A on the coding strand, the complement: TNS1 is on the minus strand). VCF-style: chr2-217886640-C-T. GRCh37 (hg19) VCF-style: chr2-218751363-C-T.
Other names: c.498G>A, p.Val166= (NM_001308022.2, NM_001308023.2, NM_022648.7).
Identifiers: ClinVar variation 3052707 (VCV003052707.2), dbSNP rs146160396, ClinGen allele CA2100713.

ClinVar aggregate classification (germline): Likely benign (0 of 4 stars; one submission).

Conditions:
TNS1-related disorder. Also called: TNS1-related condition.

Allele frequency attached by ClinVar (database versions not stated): gnomAD exomes 0.00003; 1000 Genomes Project 30x 0.00016; ExAC 0.00019; 1000 Genomes Project 0.00020; gnomAD 0.00022; ESP Exome Variant Server 0.00023; TOPMed 0.00025.
gnomAD v4.1: 79 of 1,582,346 alleles (0.005%); highest among the groups gnomAD compares: African/African-American, 0.092%; no homozygotes.

Submission:

PreventionGenetics, part of Exact Sciences
Classification: Likely benign for TNS1-related condition. Last evaluated: 2019-08-29. Review status: no assertion criteria provided. Collection method: clinical testing. Allele origin: germline.
Comment: This variant is classified as likely benign based on ACMG/AMP sequence variant interpretation guidelines (Richards et al. 2015 PMID: 25741868, with internal and published modifications).